The following is an entry in ClinVar:

ClinVar aggregate classification (germline): Benign. Review status: criteria provided, multiple submitters, no conflicts (2 of 4 stars). 2 submissions from 2 submitters: Benign (2). Last evaluated 2018-01-13.

Conditions:
Aortic aneurysm, familial thoracic 7 (AAT7). Also called: AORTIC DISSECTION, FAMILIAL, WITH OR WITHOUT AORTIC ANEURYSM. Identifiers: MedGen C3151077, MONDO:0013418, OMIM 613780.

Allele frequency attached by ClinVar (database versions not stated): gnomAD exomes 0.14656; gnomAD 0.24676; TOPMed 0.29598; 1000 Genomes Project 0.35164; 1000 Genomes Project 30x 0.35806.
gnomAD v4.1: 52,007 of 229,598 alleles (23%); highest among the groups gnomAD compares: African/African-American, 54%; 9,459 homozygotes.

Submissions (2):

Illumina Laboratory Services, Illumina
Classification: Benign for Aortic aneurysm, familial thoracic 7. Last evaluated: 2018-01-13. Review status: criteria provided, single submitter. Criteria: ICSL Variant Classification Criteria 13 December 2019. Collection method: clinical testing. Allele origin: germline.
Comment: This variant was observed in the ICSL laboratory as part of a predisposition screen in an ostensibly healthy population. It had not been previously curated by ICSL or reported in the Human Gene Mutation Database (HGMD: prior to June 1st, 2018), and was therefore a candidate for classification through an automated scoring system. Utilizing variant allele frequency, disease prevalence and penetrance estimates, and inheritance mode, an automated score was calculated to assess if this variant is too frequent to cause the disease. Based on the score and internal cut-off values, a variant classified as benign is not then subjected to further curation. The score for this variant resulted in a classification of benign for this disease.

Breakthrough Genomics
Classification: Benign. Review status: criteria provided, single submitter. Criteria: ACMG Guidelines, 2015. Collection method: not provided. Allele origin: germline. Inheritance: Autosomal recessive inheritance. Affected: yes.

NM_053025.4(MYLK):c.*406G>C

Genes: MYLK (myosin light chain kinase; minus strand), MYLK-AS1 (MYLK antisense RNA 1; plus strand). Cytogenetic location: 3q21.1.
Variant type: single nucleotide variant.
Coding change: c.*406G>C on transcript NM_053025.4 (MANE Select); 406 bases downstream of the stop codon, G replaced by C.
Molecular consequence: 3 prime UTR variant.
Genome position (GRCh38, 1-based): chr3:123,613,699, C>G on the plus strand (G>C on the coding strand, the complement: MYLK is on the minus strand). VCF-style: chr3-123613699-C-G. GRCh37 (hg19) VCF-style: chr3-123332546-C-G.
Other names: c.*406G>C (NM_001321309.2, NM_053026.4, NM_053027.4 and 3 more transcripts).
Identifiers: ClinVar variation 342853 (VCV000342853.6), dbSNP rs6438805, ClinGen allele CA10614636.